The following is an entry in ClinVar:

NM_002691.4(POLD1):c.2497C>T (p.Arg833Cys)

Gene: POLD1 (DNA polymerase delta 1, catalytic subunit; plus strand). Cytogenetic location: 19q13.33.
Variant type: single nucleotide variant.
Coding change: c.2497C>T on transcript NM_002691.4 (MANE Select); coding-DNA position 2497, C replaced by T.
Protein change: p.Arg833Cys; replaces arginine 833 with cysteine.
Molecular consequence: missense variant. On other transcripts: non-coding transcript variant (1).
Genome position (GRCh38, 1-based): chr19:50,414,923, C>T. VCF-style: chr19-50414923-C-T. GRCh37 (hg19) VCF-style: chr19-50918180-C-T.
Other names: c.2497C>T, p.Arg833Cys (NM_001256849.1); c.2575C>T, p.Arg859Cys (NM_001308632.1); short protein forms R859C, R833C.
Identifiers: ClinVar variation 956420 (VCV000956420.9), dbSNP rs2039220226, ClinGen allele CA406985123.
Genomic context (GRCh38, chr19:50,414,923, plus strand): 5'-CTCTTCTCCTCCCGGCCCGACGCCCACGACCGCATGGACTGCAAGGGCCTGGAGGCCGTG[C>T]GCAGGGACAACTGCCCCCTCGTGGCCAACCTGGTCACTGCCTCACTGCGCCGCCTGCTCA-3'
Protein context (NP_002682.2, residues 823-843): RMDCKGLEAV[Arg833Cys]RDNCPLVANL

ClinVar aggregate classification (germline): Uncertain significance (1 of 4 stars; one submission).

Conditions:
POLD1-related polyposis and colorectal cancer syndrome (CRCS10). Also called: Colorectal cancer 10; COLORECTAL CANCER, SUSCEPTIBILITY TO, ON CHROMOSOME 19q; Colorectal cancer, susceptibility to, 10. Identifiers: Orphanet 220460, MedGen C2675481, MONDO:0012953, OMIM 612591.

Allele frequency attached by ClinVar (database versions not stated): gnomAD exomes below 0.00001.
gnomAD v4.1: 2 of 1,610,280 alleles (0.00012%); highest among the groups gnomAD compares: Non-Finnish European, 0.00017%; no homozygotes.

Submission:

Labcorp Genetics (formerly Invitae), Labcorp
Classification: Uncertain significance for POLD1-related polyposis and colorectal cancer syndrome. Last evaluated: 2024-01-09. Review status: criteria provided, single submitter. Criteria: Invitae Variant Classification Sherloc (09022015). Collection method: clinical testing. Allele origin: germline.
Comment: This sequence change replaces arginine, which is basic and polar, with cysteine, which is neutral and slightly polar, at codon 833 of the POLD1 protein (p.Arg833Cys). This variant is not present in population databases (gnomAD no frequency). This variant has not been reported in the literature in individuals affected with POLD1-related conditions. ClinVar contains an entry for this variant (Variation ID: 956420). Advanced modeling of protein sequence and biophysical properties (such as structural, functional, and spatial information, amino acid conservation, physicochemical variation, residue mobility, and thermodynamic stability) performed at Invitae indicates that this missense variant is expected to disrupt POLD1 protein function with a positive predictive value of 80%. In summary, the available evidence is currently insufficient to determine the role of this variant in disease. Therefore, it has been classified as a Variant of Uncertain Significance.